The following is an entry in ClinVar:

ClinVar aggregate classification (germline): Uncertain significance. Review status: criteria provided, multiple submitters, no conflicts (2 of 4 stars). 3 submissions from 3 submitters: Uncertain significance (3). Last evaluated 2024-09-30.

Conditions:
Tuberous sclerosis 1 (TSC1). Identifiers: Orphanet 805, MedGen C1854465, MONDO:0008612, OMIM 191100.
Hereditary cancer-predisposing syndrome. Also called: Neoplastic Syndromes, Hereditary; Hereditary Cancer Syndrome; Tumor predisposition; Hereditary neoplastic syndrome. Identifiers: Orphanet 140162, MedGen C0027672, MeSH D009386, MONDO:0015356.

Submissions (3):

Ambry Genetics
Classification: Uncertain significance for Hereditary cancer-predisposing syndrome. Last evaluated: 2024-09-30. Review status: criteria provided, single submitter. Criteria: Ambry Variant Classification Scheme 2023. Collection method: clinical testing. Allele origin: germline.
Comment: The p.V895G variant (also known as c.2684T>G), located in coding exon 19 of the TSC1 gene, results from a T to G substitution at nucleotide position 2684. The valine at codon 895 is replaced by glycine, an amino acid with dissimilar properties. This amino acid position is conserved. In addition, the in silico prediction for this alteration is inconclusive. Based on the available evidence, the clinical significance of this variant remains unclear.

Labcorp Genetics (formerly Invitae), Labcorp
Classification: Uncertain significance for Tuberous sclerosis 1. Last evaluated: 2024-03-29. Review status: criteria provided, single submitter. Criteria: Invitae Variant Classification Sherloc (09022015). Collection method: clinical testing. Allele origin: germline.
Comment: This sequence change replaces valine, which is neutral and non-polar, with glycine, which is neutral and non-polar, at codon 895 of the TSC1 protein (p.Val895Gly). This variant is not present in population databases (gnomAD no frequency). This variant has not been reported in the literature in individuals affected with TSC1-related conditions. ClinVar contains an entry for this variant (Variation ID: 1692404). Advanced modeling of protein sequence and biophysical properties (such as structural, functional, and spatial information, amino acid conservation, physicochemical variation, residue mobility, and thermodynamic stability) performed at Invitae indicates that this missense variant is not expected to disrupt TSC1 protein function with a negative predictive value of 95%. In summary, the available evidence is currently insufficient to determine the role of this variant in disease. Therefore, it has been classified as a Variant of Uncertain Significance.

Sema4
Classification: Uncertain significance for Hereditary cancer-predisposing syndrome. Last evaluated: 2021-08-11. Review status: criteria provided, single submitter. Criteria: Sema4 Curation Guidelines. Collection method: curation. Allele origin: germline.
Comment: The TSC1 c.2684T>G (p.V895G) variant has not been reported in the literature to our knowledge. This variant is not reported in the population database Genome Aggregation Database (PMID: 32461654), or in ClinVar. Functional studies have not been performed, and in silico predictions of the variant's effect on protein function are inconclusive. The evidence is insufficient to meet ACMG/AMP criteria for classifying the variant as benign or pathogenic. Thus, the clinical significance of this variant is currently uncertain.

NM_000368.5(TSC1):c.2684T>G (p.Val895Gly)

Gene: TSC1 (TSC complex subunit 1; minus strand). Cytogenetic location: 9q34.13.
Variant type: single nucleotide variant.
Coding change: c.2684T>G on transcript NM_000368.5 (MANE Select); coding-DNA position 2684, T replaced by G.
Protein change: p.Val895Gly; replaces valine 895 with glycine.
Molecular consequence: missense variant.
Genome position (GRCh38, 1-based): chr9:132,897,552, A>C on the plus strand (T>G on the coding strand, the complement: TSC1 is on the minus strand). VCF-style: chr9-132897552-A-C. GRCh37 (hg19) VCF-style: chr9-135772939-A-C.
Other names: c.2681T>G, p.Val894Gly (NM_001162426.2); c.2531T>G, p.Val844Gly (NM_001162427.2); c.2321T>G, p.Val774Gly (NM_001362177.2); short protein forms V774G, V844G, V894G, V895G.
Identifiers: ClinVar variation 1692404 (VCV001692404.4), dbSNP rs1845148114, ClinGen allele CA375369485.